The following is an entry in ClinVar:

ClinVar aggregate classification (germline): Uncertain significance (1 of 4 stars; one submission).

Allele frequency attached by ClinVar (database versions not stated): gnomAD exomes 0.00001; TOPMed 0.00001; gnomAD 0.00002.
gnomAD v4.1: 11 of 1,613,062 alleles (0.00068%); highest among the groups gnomAD compares: Admixed American, 0.005%; no homozygotes.

Submission:

Labcorp Genetics (formerly Invitae), Labcorp
Classification: Uncertain significance. Last evaluated: 2026-01-08. Review status: criteria provided, single submitter. Criteria: Invitae Variant Classification Sherloc (09022015). Collection method: clinical testing. Allele origin: germline.
Comment: This sequence change replaces arginine, which is basic and polar, with tryptophan, which is neutral and slightly polar, at codon 324 of the RIN2 protein (p.Arg324Trp). This variant is present in population databases (no rsID available, gnomAD 0.008%). This variant has not been reported in the literature in individuals affected with RIN2-related conditions. ClinVar contains an entry for this variant (Variation ID: 1426701). Experimental studies and prediction algorithms are not available or were not evaluated, and the functional significance of this variant is currently unknown. In summary, the available evidence is currently insufficient to determine the role of this variant in disease. Therefore, it has been classified as a Variant of Uncertain Significance.

NM_018993.4(RIN2):c.970C>T (p.Arg324Trp)

Gene: RIN2 (Ras and Rab interactor 2; plus strand). Cytogenetic location: 20p11.23.
Variant type: single nucleotide variant.
Coding change: c.970C>T on transcript NM_018993.4 (MANE Select); coding-DNA position 970, C replaced by T.
Protein change: p.Arg324Trp; replaces arginine 324 with tryptophan.
Molecular consequence: missense variant.
Genome position (GRCh38, 1-based): chr20:19,974,995, C>T. VCF-style: chr20-19974995-C-T. GRCh37 (hg19) VCF-style: chr20-19955639-C-T.
Other names: c.1117C>T, p.Arg373Trp (NM_001242581.2); c.352C>T, p.Arg118Trp (NM_001378238.1); short protein forms R118W, R373W, R324W.
Identifiers: ClinVar variation 1426701 (VCV001426701.6), dbSNP rs1376170735, ClinGen allele CA408361331.
Genomic context (GRCh38, chr20:19,974,995, plus strand): 5'-ACTCGGTCCCCCCCACCCAGGCCCCCGCCACCCGCTATTAATAGTCTCCACACAAGCCCT[C>T]GGCTGGCCAGGACTGAAACCCAGACGAGCATGCCAGAAACAGTCAACCATAACAAACATG-3'
Protein context (NP_061866.1, residues 314-334): PAINSLHTSP[Arg324Trp]LARTETQTSM